The following is an entry in ClinVar:

ClinVar aggregate classification (germline): Uncertain significance. Review status: criteria provided, multiple submitters, no conflicts (2 of 4 stars). 2 submissions from 2 submitters: Uncertain significance (2). Last evaluated 2024-06-02.

Conditions:
Finnish congenital nephrotic syndrome (NPHS1). Also called: NEPHROTIC SYNDROME, TYPE 1. Identifiers: Orphanet 839, MedGen C0403399, MONDO:0009732, OMIM 256300.

Submissions (2):

Labcorp Genetics (formerly Invitae), Labcorp
Classification: Uncertain significance. Last evaluated: 2024-06-02. Review status: criteria provided, single submitter. Criteria: Invitae Variant Classification Sherloc (09022015). Collection method: clinical testing. Allele origin: germline.
Comment: This sequence change replaces alanine, which is neutral and non-polar, with valine, which is neutral and non-polar, at codon 765 of the NPHS1 protein (p.Ala765Val). This variant is present in population databases (rs746934619, gnomAD 0.0009%). This missense change has been observed in individual(s) with steroid-resistant nephrotic syndrome (PMID: 30406062). Advanced modeling of protein sequence and biophysical properties (such as structural, functional, and spatial information, amino acid conservation, physicochemical variation, residue mobility, and thermodynamic stability) performed at Invitae indicates that this missense variant is expected to disrupt NPHS1 protein function with a positive predictive value of 80%. In summary, the available evidence is currently insufficient to determine the role of this variant in disease. Therefore, it has been classified as a Variant of Uncertain Significance.

Fulgent Genetics
Classification: Uncertain significance for Finnish congenital nephrotic syndrome. Last evaluated: 2024-01-24. Review status: criteria provided, single submitter. Criteria: ACMG Guidelines, 2015. Collection method: clinical testing. Allele origin: germline.

Literature cited by the submitters: PubMed 30406062 (cited by Labcorp Genetics (formerly Invitae), Labcorp).

NM_004646.4(NPHS1):c.2294C>T (p.Ala765Val)

Gene: NPHS1 (NPHS1 adhesion molecule, nephrin; minus strand). Cytogenetic location: 19q13.12.
Variant type: single nucleotide variant.
Coding change: c.2294C>T on transcript NM_004646.4 (MANE Select); coding-DNA position 2294, C replaced by T.
Protein change: p.Ala765Val; replaces alanine 765 with valine.
Molecular consequence: missense variant.
Genome position (GRCh38, 1-based): chr19:35,843,512, G>A on the plus strand (C>T on the coding strand, the complement: NPHS1 is on the minus strand). VCF-style: chr19-35843512-G-A. GRCh37 (hg19) VCF-style: chr19-36334414-G-A.
Other names: short protein forms A765V.
Identifiers: ClinVar variation 3583687 (VCV003583687.3).